The following is an entry in ClinVar:

NM_181486.4(TBX5):c.1362G>A (p.Met454Ile)

Gene: TBX5 (T-box transcription factor 5; minus strand). Cytogenetic location: 12q24.21.
Variant type: single nucleotide variant.
Coding change: c.1362G>A on transcript NM_181486.4 (MANE Select); coding-DNA position 1362, G replaced by A.
Protein change: p.Met454Ile; replaces methionine 454 with isoleucine.
Molecular consequence: missense variant.
Genome position (GRCh38, 1-based): chr12:114,355,727, C>T on the plus strand (G>A on the coding strand, the complement: TBX5 is on the minus strand). VCF-style: chr12-114355727-C-T. GRCh37 (hg19) VCF-style: chr12-114793532-C-T.
Other names: c.1362G>A, p.Met454Ile (NM_000192.3); c.1212G>A, p.Met404Ile (NM_080717.4); short protein forms M404I, M454I.
Identifiers: ClinVar variation 882841 (VCV000882841.6), dbSNP rs971831243, ClinGen allele CA244262940.

ClinVar aggregate classification (germline): Uncertain significance. Review status: criteria provided, multiple submitters, no conflicts (2 of 4 stars). 2 submissions from 2 submitters: Uncertain significance (2). Last evaluated 2022-12-04.

Conditions:
Cardiovascular phenotype. Identifiers: MedGen CN230736.
Holt-Oram syndrome (HOS). Also called: Ventriculo-radial syndrome; Cardiac-limb syndrome; Heart-hand syndrome, type 1; TBX5-Related Holt-Oram Syndrome. Identifiers: Orphanet 392, MedGen C0265264, MONDO:0007732, OMIM 142900.

Allele frequency attached by ClinVar (database versions not stated): gnomAD exomes below 0.00001; TOPMed 0.00002.
gnomAD v4.1: 2 of 1,614,188 alleles (0.00012%); highest among the groups gnomAD compares: Admixed American, 0.0017%; no homozygotes.

Submissions (2):

Ambry Genetics
Classification: Uncertain significance for Cardiovascular phenotype. Last evaluated: 2022-12-04. Review status: criteria provided, single submitter. Criteria: Ambry Variant Classification Scheme 2023. Collection method: clinical testing. Allele origin: germline.
Comment: The p.M454I variant (also known as c.1362G>A), located in coding exon 8 of the TBX5 gene, results from a G to A substitution at nucleotide position 1362. The methionine at codon 454 is replaced by isoleucine, an amino acid with highly similar properties. This amino acid position is conserved. In addition, this alteration is predicted to be tolerated by in silico analysis. Since supporting evidence is limited at this time, the clinical significance of this alteration remains unclear.

Illumina Laboratory Services, Illumina
Classification: Uncertain significance for Holt-Oram syndrome. Last evaluated: 2018-01-12. Review status: criteria provided, single submitter. Criteria: ICSL Variant Classification Criteria 13 December 2019. Collection method: clinical testing. Allele origin: germline.